The following is an entry in ClinVar:

ClinVar aggregate classification (germline): Likely benign (1 of 4 stars; one submission).

Conditions:
Ehlers-Danlos syndrome, dermatosparaxis type. Also called: Ehlers-Danlos syndrome, type VII, autosomal recessive; EDS VIIC; Dermatosparaxis. Identifiers: Orphanet 1901, MedGen C2700425, MONDO:0009161, OMIM 225410.

Allele frequency attached by ClinVar (database versions not stated): gnomAD 0.00135 and 0.00149; TOPMed 0.00173; 1000 Genomes Project 0.00220; 1000 Genomes Project 30x 0.00234.

Submission:

Illumina Laboratory Services, Illumina
Classification: Likely benign for Ehlers-Danlos syndrome, dermatosparaxis type. Last evaluated: 2018-01-12. Review status: criteria provided, single submitter. Criteria: ICSL Variant Classification Criteria 13 December 2019. Collection method: clinical testing. Allele origin: germline.
Comment: This variant was observed in the ICSL laboratory as part of a predisposition screen in an ostensibly healthy population. It had not been previously curated by ICSL or reported in the Human Gene Mutation Database (HGMD: prior to June 1st, 2018), and was therefore a candidate for classification through an automated scoring system. Utilizing variant allele frequency, disease prevalence and penetrance estimates, and inheritance mode, an automated score was calculated to assess if this variant is too frequent to cause the disease. Based on the score and internal cut-off values, a variant classified as likely benign is not then subjected to further curation. The score for this variant resulted in a classification of likely benign for this disease.

NM_014244.5(ADAMTS2):c.*2141G>T

Gene: ADAMTS2 (ADAM metallopeptidase with thrombospondin type 1 motif 2; minus strand). Cytogenetic location: 5q35.3.
Variant type: single nucleotide variant.
Coding change: c.*2141G>T on transcript NM_014244.5 (MANE Select); 2141 bases downstream of the stop codon, G replaced by T.
Molecular consequence: 3 prime UTR variant.
Genome position (GRCh38, 1-based): chr5:179,111,726, C>A on the plus strand (G>T on the coding strand, the complement: ADAMTS2 is on the minus strand). VCF-style: chr5-179111726-C-A. GRCh37 (hg19) VCF-style: chr5-178538727-C-A.
Identifiers: ClinVar variation 905482 (VCV000905482.4), dbSNP rs77882118, ClinGen allele CA133017400.